The following is an entry in ClinVar:

NM_000288.4(PEX7):c.747+1G>A

Gene: PEX7 (peroxisomal biogenesis factor 7; plus strand). Cytogenetic location: 6q23.3.
Variant type: single nucleotide variant.
Coding change: c.747+1G>A on transcript NM_000288.4 (MANE Select); the canonical splice donor site of the intron after coding-DNA position 747, G replaced by A.
Molecular consequence: splice donor variant.
Genome position (GRCh38, 1-based): chr6:136,870,004, G>A. VCF-style: chr6-136870004-G-A. GRCh37 (hg19) VCF-style: chr6-137191142-G-A.
Other names: c.633+1G>A (NM_001410945.1).
Identifiers: ClinVar variation 2706310 (VCV002706310.4), dbSNP rs267608256, ClinGen allele CA148200986.

ClinVar aggregate classification (germline): Likely pathogenic (1 of 4 stars; one submission).

Conditions:
Peroxisome biogenesis disorder 9B. Also called: PEX7-Related Refsum Disease; PEROXISOME BIOGENESIS DISORDER, PEX7-RELATED, ATYPICAL; Refsum disease, adult, 2. Identifiers: Orphanet 773, MedGen C2749346, MONDO:0013945, OMIM 614879.

Allele frequency attached by ClinVar (database versions not stated): gnomAD exomes below 0.00001.
gnomAD v4.1: 1 of 1,562,334 alleles (0.000064%); highest among the groups gnomAD compares: Non-Finnish European, 0.000088%; no homozygotes.

Submissions (2):

Labcorp Genetics (formerly Invitae), Labcorp
Classification: Likely pathogenic for Peroxisome biogenesis disorder 9B. Last evaluated: 2023-12-29. Review status: criteria provided, single submitter. Criteria: Invitae Variant Classification Sherloc (09022015). Collection method: clinical testing. Allele origin: germline.
Comment: This sequence change affects a donor splice site in intron 7 of the PEX7 gene. It is expected to disrupt RNA splicing. Variants that disrupt the donor or acceptor splice site typically lead to a loss of protein function (PMID: 16199547), and loss-of-function variants in PEX7 are known to be pathogenic (PMID: 12325024, 12522768, 20301447). This variant is not present in population databases (gnomAD no frequency). This variant has not been reported in the literature in individuals affected with PEX7-related conditions. Algorithms developed to predict the effect of sequence changes on RNA splicing suggest that this variant may disrupt the consensus splice site. In summary, the currently available evidence indicates that the variant is pathogenic, but additional data are needed to prove that conclusively. Therefore, this variant has been classified as Likely Pathogenic.

Dr. Peter K. Rogan Lab, Western University
No classification provided (evidence only). Condition: Ovarian serous cystadenocarcinoma. Review status: no classification provided. Collection method: in vitro. Allele origin: not applicable. Functional consequence: retained intron. Not counted in ClinVar's aggregate classification.

Literature cited by the submitters: PubMed 16199547 (cited by Labcorp Genetics (formerly Invitae), Labcorp); PubMed 12325024 (cited by Labcorp Genetics (formerly Invitae), Labcorp); PubMed 12522768 (cited by Labcorp Genetics (formerly Invitae), Labcorp); PubMed 20301447 (cited by Labcorp Genetics (formerly Invitae), Labcorp).